The following is an entry in ClinVar:

ClinVar aggregate classification (germline): Conflicting classifications of pathogenicity. Review status: criteria provided, conflicting classifications (1 of 4 stars). 3 submissions from 3 submitters: Likely risk allele (1); Uncertain significance (1). 1 of the submissions does not count toward it. Last evaluated 2025-09-20.

Conditions:
Wolfram syndrome 1 (WFS1). Identifiers: Orphanet 3463, MedGen C4551693, MONDO:0009101, OMIM 222300.

Submissions (3):

Labcorp Genetics (formerly Invitae), Labcorp
Classification: Uncertain significance. Last evaluated: 2025-09-20. Review status: criteria provided, single submitter. Criteria: Invitae Variant Classification Sherloc (09022015). Collection method: clinical testing. Allele origin: germline.
Comment: This sequence change replaces glutamic acid, which is acidic and polar, with lysine, which is basic and polar, at codon 301 of the WFS1 protein (p.Glu301Lys). This variant is not present in population databases (gnomAD no frequency). This variant has not been reported in the literature in individuals affected with WFS1-related conditions. ClinVar contains an entry for this variant (Variation ID: 591065). Invitae Evidence Modeling of protein sequence and biophysical properties (such as structural, functional, and spatial information, amino acid conservation, physicochemical variation, residue mobility, and thermodynamic stability) has been performed for this missense variant. However, the output from this modeling did not meet the statistical confidence thresholds required to predict the impact of this variant on WFS1 protein function. In summary, the available evidence is currently insufficient to determine the role of this variant in disease. Therefore, it has been classified as a Variant of Uncertain Significance.

Clinical Genomics, Uppaluri K&H Personalized Medicine Clinic
Classification: Likely risk allele for Wolfram syndrome 1. Review status: criteria provided, single submitter. Criteria: K & H Uppaluri Personalized Medicine Clinic Variant Classification & Assertion Criteria_Updated V.1. Collection method: research. Allele origin: unknown. Inheritance: Autosomal recessive inheritance.
Comment: Potent mutations in WFS1 gene are associated with Wolfram's syndrome, an autosomal recessive condition, which cause diabetes mellitus, diabetes insipidus, deafness and optic atrophy. However no sufficient evidence is found to ascertain the role of this particular variant rs1560417758 in Wolfram's syndrome yet.

Gharavi Laboratory, Columbia University
Classification: Uncertain significance. Last evaluated: 2018-09-16. Review status: no assertion criteria provided. Criteria: ACMG Guidelines, 2015. Collection method: research. Allele origin: germline. Affected: yes. Not counted in ClinVar's aggregate classification.

Literature cited by the submitters: PubMed 20738327 (cited by Clinical Genomics, Uppaluri K&H Personalized Medicine Clinic); PubMed 33879153 (cited by Clinical Genomics, Uppaluri K&H Personalized Medicine Clinic); PubMed 12955714 (cited by Clinical Genomics, Uppaluri K&H Personalized Medicine Clinic); PubMed 18060660 (cited by Clinical Genomics, Uppaluri K&H Personalized Medicine Clinic); PubMed 20301750 (cited by Clinical Genomics, Uppaluri K&H Personalized Medicine Clinic); PubMed 17603484 (cited by Clinical Genomics, Uppaluri K&H Personalized Medicine Clinic).

NM_006005.3(WFS1):c.901G>A (p.Glu301Lys)

Gene: WFS1 (wolframin ER transmembrane glycoprotein; plus strand). Cytogenetic location: 4p16.1.
Variant type: single nucleotide variant.
Coding change: c.901G>A on transcript NM_006005.3 (MANE Select); coding-DNA position 901, G replaced by A.
Protein change: p.Glu301Lys; replaces glutamic acid 301 with lysine.
Molecular consequence: missense variant.
Genome position (GRCh38, 1-based): chr4:6,300,696, G>A. VCF-style: chr4-6300696-G-A. GRCh37 (hg19) VCF-style: chr4-6302423-G-A.
Other names: c.901G>A, p.Glu301Lys (NM_001145853.1); short protein forms E301K.
Identifiers: ClinVar variation 591065 (VCV000591065.3), dbSNP rs1560417758, ClinGen allele CA356173848.